The following is an entry in ClinVar:

ClinVar aggregate classification (germline): Uncertain significance (1 of 4 stars; one submission).

Conditions:
Common variable immunodeficiency (CVID). Also called: Common variable hypogamma-globulinemia; Common variable agammaglobulinemia. Identifiers: Orphanet 1572, MedGen C0009447, MONDO:0015517.

Submission:

Labcorp Genetics (formerly Invitae), Labcorp
Classification: Uncertain significance for Common variable immunodeficiency. Last evaluated: 2025-10-21. Review status: criteria provided, single submitter. Criteria: Invitae Variant Classification Sherloc (09022015). Collection method: clinical testing. Allele origin: germline.
Comment: This sequence change replaces alanine, which is neutral and non-polar, with glutamic acid, which is acidic and polar, at codon 199 of the TNFSF12 protein (p.Ala199Glu). This variant is not present in population databases (gnomAD no frequency). This variant has not been reported in the literature in individuals affected with TNFSF12-related conditions. ClinVar contains an entry for this variant (Variation ID: 3680079). An algorithm developed to predict the effect of missense changes on protein structure and function (PolyPhen-2) suggests that this variant is likely to be disruptive. Algorithms developed to predict the effect of sequence changes on RNA splicing suggest that this variant may create or strengthen a splice site. In summary, the available evidence is currently insufficient to determine the role of this variant in disease. Therefore, it has been classified as a Variant of Uncertain Significance.

NM_003809.3(TNFSF12):c.596C>A (p.Ala199Glu)

Genes: TNFSF12 (TNF superfamily member 12; plus strand), TNFSF12-TNFSF13 (TNFSF12-TNFSF13 readthrough; plus strand). Cytogenetic location: 17p13.1.
Variant type: single nucleotide variant.
Coding change: c.596C>A on transcript NM_003809.3 (MANE Select); coding-DNA position 596, C replaced by A.
Protein change: p.Ala199Glu; replaces alanine 199 with glutamic acid.
Molecular consequence: missense variant. On other transcripts: non-coding transcript variant (1), intron variant (1).
Genome position (GRCh38, 1-based): chr17:7,557,196, C>A. VCF-style: chr17-7557196-C-A. GRCh37 (hg19) VCF-style: chr17-7460513-C-A.
Other names: c.498+294C>A (NM_172089.4); short protein forms A199E.
Identifiers: ClinVar variation 3680079 (VCV003680079.2).
Genomic context (GRCh38, chr17:7,557,196, plus strand): 5'-TGGACTTGCTGGTGGATGGTGTGCTGGCCCTGCGCTGCCTGGAGGAATTCTCAGCCACTG[C>A]GGCGAGTTCCCTCGGGCCCCAGCTCCGCCTCTGCCAGGTGTCTGGGCTGTTGGCCCTGCG-3'
Protein context (NP_003800.1, residues 189-209): LRCLEEFSAT[Ala199Glu]ASSLGPQLRL